The following is an entry in ClinVar:

NM_000552.5(VWF):c.8366C>G (p.Thr2789Ser)

Gene: VWF (von Willebrand factor; minus strand). Cytogenetic location: 12p13.31.
Variant type: single nucleotide variant.
Coding change: c.8366C>G on transcript NM_000552.5 (MANE Select); coding-DNA position 8366, C replaced by G.
Protein change: p.Thr2789Ser; replaces threonine 2789 with serine.
Molecular consequence: missense variant.
Genome position (GRCh38, 1-based): chr12:5,949,091, G>C on the plus strand (C>G on the coding strand, the complement: VWF is on the minus strand). VCF-style: chr12-5949091-G-C. GRCh37 (hg19) VCF-style: chr12-6058257-G-C.
Other names: c.8366C>G (NM_000552.4); short protein forms T2789S.
Identifiers: ClinVar variation 310031 (VCV000310031.11), dbSNP rs371036946, ClinGen allele CA6401323.
Genomic context (GRCh38, chr12:5,949,091, plus strand): 5'-CTGGGGGAGCATTTGCACTCCATGGCATTGAGAACCTCATGGTACACAACAGAGCCATTG[G>C]TGCAGTGCAGGGCCACCTGCATGGGCTCCGTCCGTGTCGGAGAGCAGCAGGAGCACTGGT-3'
Protein context (NP_000543.3, residues 2779-2799): TEPMQVALHC[Thr2789Ser]NGSVVYHEVL

ClinVar aggregate classification (germline): Uncertain significance. Review status: criteria provided, multiple submitters, no conflicts (2 of 4 stars). 3 submissions from 3 submitters: Uncertain significance (3). Last evaluated 2026-03-26.

Allele frequency attached by ClinVar (database versions not stated): TOPMed 0.00005; ESP Exome Variant Server 0.00008; 1000 Genomes Project 30x 0.00016.
gnomAD v4.1: 42 of 1,614,254 alleles (0.0026%); highest among the groups gnomAD compares: Admixed American, 0.033%; no homozygotes.

Submissions (3):

Women's Health and Genetics/Laboratory Corporation of America, LabCorp
Classification: Uncertain significance. Last evaluated: 2026-03-26. Review status: criteria provided, single submitter. Criteria: LabCorp Variant Classification Summary - May 2015. Collection method: clinical testing. Allele origin: germline.
Comment: Variant summary: VWF c.8366C>G (p.Thr2789Ser) results in a conservative amino acid change located in the Cystine knot, C-terminal (IPR006207) of the encoded protein sequence. Algorithms developed to predict the effect of missense changes on protein structure and function are either unavailable or do not agree on the potential impact of this missense change. The variant allele was found at a frequency of 4e-05 in 251074 control chromosomes. This frequency is not significantly higher than estimated for disease-causing variants in VWF, allowing no conclusion about variant significance. c.8366C>G has been observed in individual(s) affected with Von Willebrand Disease but has not been evaluated to be associated with disease (Borras_2017, Stefanucci_2023). These data do not allow any conclusion about variant significance. To our knowledge, no experimental evidence demonstrating an impact on protein function has been reported. The following publication have been ascertained in the context of this evaluation (PMID: 28971901, 37647632). ClinVar contains an entry for this variant (Variation ID: 310031). Based on the evidence outlined above, the variant was classified as uncertain significance.

Quest Diagnostics Nichols Institute San Juan Capistrano
Classification: Uncertain significance. Last evaluated: 2025-10-14. Review status: criteria provided, single submitter. Criteria: Quest Diagnostics criteria. Collection method: clinical testing. Allele origin: unknown.
Comment: The VWF c.8366C>G (p.Thr2789Ser) variant has been reported in an individual with type 2B von Willebrand disease (vWD) who co-carried a pathogenic variant in the VWF gene (PMID: 28971901 (2017)). The frequency of this variant in the general population (Genome Aggregation Database) is uninformative in the assessment of its pathogenicity. Analysis of this variant using bioinformatics tools for the prediction of the effect of amino acid changes on protein structure and function yielded predictions that this variant is benign. Based on the available information, we are unable to determine the clinical significance of this variant.

GeneDx
Classification: Uncertain significance. Last evaluated: 2023-12-11. Review status: criteria provided, single submitter. Criteria: GeneDx Variant Classification Process June 2021. Collection method: clinical testing. Allele origin: germline. Affected: yes.
Comment: In silico analysis supports that this missense variant does not alter protein structure/function; This variant is associated with the following publications: (PMID: 28971901)

Literature cited by the submitters: PubMed 28971901 (cited by Women's Health and Genetics/Laboratory Corporation of America, LabCorp and Quest Diagnostics Nichols Institute San Juan Capistrano); PubMed 37647632 (cited by Women's Health and Genetics/Laboratory Corporation of America, LabCorp and Quest Diagnostics Nichols Institute San Juan Capistrano).